The following is an entry in ClinVar:

NM_007059.4(KPTN):c.1032G>A (p.Glu344=)

Gene: KPTN (kaptin, actin binding protein; minus strand). Cytogenetic location: 19q13.32.
Variant type: single nucleotide variant.
Coding change: c.1032G>A on transcript NM_007059.4 (MANE Select); coding-DNA position 1032, G replaced by A.
Protein change: p.Glu344=; no amino-acid change (glutamic acid 344 retained).
Molecular consequence: synonymous variant. On other transcripts: non-coding transcript variant (1).
Genome position (GRCh38, 1-based): chr19:47,476,682, C>T on the plus strand (G>A on the coding strand, the complement: KPTN is on the minus strand). VCF-style: chr19-47476682-C-T. GRCh37 (hg19) VCF-style: chr19-47979939-C-T.
Other names: c.1032G>A (NM_007059.3); c.864G>A, p.Glu288= (NM_001291296.2).
Identifiers: ClinVar variation 1146794 (VCV001146794.11), dbSNP rs368618186, ClinGen allele CA9540234.
Genomic context (GRCh38, chr19:47,476,682, plus strand): 5'-ACTGGAGAAGCTCCGCTGCCACAGCAGATGGAACCCGTGCTGGGCCTCAGGAAGCCCCGA[C>T]TCTGGGCCCCGGTACTTATAACACAGCAGTTCCTGCGGGGGTGAAGAATCAGGTCACACA-3'
Protein context (NP_008990.2, residues 334-354): ELLCYKYRGP[Glu344=]SGLPEAQHGF

ClinVar aggregate classification (germline): Likely benign. Review status: criteria provided, single submitter (1 of 4 stars). 2 submissions from 2 submitters: Likely benign (1). 1 of the submissions does not count toward it. Last evaluated 2025-07-28.

Conditions:
KPTN-related disorder. Also called: KPTN-related condition. Identifiers: MedGen CN381532.
Macrocephaly-developmental delay syndrome (MRT41). Also called: INTELLECTUAL DEVELOPMENTAL DISORDER, AUTOSOMAL RECESSIVE 41. Identifiers: Orphanet 397612, MedGen C3810225, MONDO:0014289, OMIM 615637.

Allele frequency attached by ClinVar (database versions not stated): gnomAD exomes 0.00002 and 0.00004; ExAC 0.00006; ESP Exome Variant Server 0.00008; gnomAD 0.00012 and 0.00014; TOPMed 0.00012.
gnomAD v4.1: 44 of 1,612,664 alleles (0.0027%); highest among the groups gnomAD compares: African/African-American, 0.045%; no homozygotes.

Submissions (2):

Labcorp Genetics (formerly Invitae), Labcorp
Classification: Likely benign for Macrocephaly-developmental delay syndrome. Last evaluated: 2025-07-28. Review status: criteria provided, single submitter. Criteria: Invitae Variant Classification Sherloc (09022015). Collection method: clinical testing. Allele origin: germline.

PreventionGenetics, part of Exact Sciences
Classification: Likely benign for KPTN-related condition. Last evaluated: 2019-04-25. Review status: no assertion criteria provided. Collection method: clinical testing. Allele origin: germline. Not counted in ClinVar's aggregate classification.
Comment: This variant is classified as likely benign based on ACMG/AMP sequence variant interpretation guidelines (Richards et al. 2015 PMID: 25741868, with internal and published modifications).